The following is an entry in ClinVar:

NM_001102401.4(TTI2):c.723G>A (p.Leu241=)

Gene: TTI2 (TELO2 interacting protein 2; minus strand). Cytogenetic location: 8p12.
Variant type: single nucleotide variant.
Coding change: c.723G>A on transcript NM_001102401.4 (MANE Select); coding-DNA position 723, G replaced by A.
Protein change: p.Leu241=; no amino-acid change (leucine 241 retained).
Molecular consequence: synonymous variant.
Genome position (GRCh38, 1-based): chr8:33,509,857, C>T on the plus strand (G>A on the coding strand, the complement: TTI2 is on the minus strand). VCF-style: chr8-33509857-C-T. GRCh37 (hg19) VCF-style: chr8-33367375-C-T.
Other names: c.723G>A, p.Leu241= (NM_001265581.2, NM_001330505.3, NM_025115.5).
Identifiers: ClinVar variation 768234 (VCV000768234.7), dbSNP rs114120191, ClinGen allele CA4707269.
Genomic context (GRCh38, chr8:33,509,857, plus strand): 5'-AGTCTGATAGTCATCTGAAATGACCAATGATGCGGGAAGTACCCTTTCCAGATGCTGGCT[C>T]AGCCAGGGCCGAGTGACCTGTTGCAGAGTCCATGAGAAAACATGTTTGATGGCAGGGTTA-3'
Protein context (NP_001095871.1, residues 231-251): WTLQQVTRPW[Leu241=]SQHLERVLPA

ClinVar aggregate classification (germline): Benign. Review status: criteria provided, multiple submitters, no conflicts (2 of 4 stars). 3 submissions from 3 submitters: Benign (2). 1 of the submissions does not count toward it. Last evaluated 2019-12-31.

Conditions:
TTI2-related disorder. Also called: TTI2-related condition.

Allele frequency attached by ClinVar (database versions not stated): gnomAD exomes 0.00142 and 0.00402; ExAC 0.00485; 1000 Genomes Project 0.01438; gnomAD 0.01551 and 0.01689; 1000 Genomes Project 30x 0.01562; TOPMed 0.01758; ESP Exome Variant Server 0.01930.
gnomAD v4.1: 4,524 of 1,613,844 alleles (0.28%); highest among the groups gnomAD compares: African/African-American, 5.2%; 130 homozygotes.

Submissions (3):

Labcorp Genetics (formerly Invitae), Labcorp
Classification: Benign. Last evaluated: 2019-12-31. Review status: criteria provided, single submitter. Criteria: Invitae Variant Classification Sherloc (09022015). Collection method: clinical testing. Allele origin: germline.

Breakthrough Genomics
Classification: Benign. Review status: criteria provided, single submitter. Criteria: ACMG Guidelines, 2015. Collection method: not provided. Allele origin: germline. Inheritance: Autosomal recessive inheritance. Affected: yes.

PreventionGenetics, part of Exact Sciences
Classification: Benign for TTI2-related condition. Last evaluated: 2019-06-03. Review status: no assertion criteria provided. Collection method: clinical testing. Allele origin: germline. Not counted in ClinVar's aggregate classification.
Comment: This variant is classified as benign based on ACMG/AMP sequence variant interpretation guidelines (Richards et al. 2015 PMID: 25741868, with internal and published modifications).